The following is an entry in ClinVar:

ClinVar aggregate classification (germline): Likely benign (1 of 4 stars; one submission).

Submission:

CeGaT Center for Human Genetics Tuebingen
Classification: Likely benign. Last evaluated: 2026-09-01. Review status: criteria provided, single submitter. Criteria: CeGaT Center For Human Genetics Tuebingen Variant Classification Criteria Version 2. Collection method: clinical testing. Allele origin: germline. Affected: yes. Observed: 1 variant allele.
Comment: POLR2A: PM2:Supporting, BP4, BP7

NM_000937.5(POLR2A):c.3687G>A (p.Glu1229=)

Gene: POLR2A (RNA polymerase II subunit A; plus strand). Cytogenetic location: 17p13.1.
Variant type: single nucleotide variant.
Coding change: c.3687G>A on transcript NM_000937.5 (MANE Select); coding-DNA position 3687, G replaced by A.
Protein change: p.Glu1229=; no amino-acid change (glutamic acid 1229 retained).
Molecular consequence: synonymous variant.
Genome position (GRCh38, 1-based): chr17:7,509,165, G>A. VCF-style: chr17-7509165-G-A. GRCh37 (hg19) VCF-style: chr17-7412484-G-A.
Identifiers: ClinVar variation 5040873 (VCV005040873.1).